The following is an entry in ClinVar:

ClinVar aggregate classification (germline): Uncertain significance. Review status: criteria provided, multiple submitters, no conflicts (2 of 4 stars). 3 submissions from 3 submitters: Uncertain significance (3). Last evaluated 2025-04-30.

Conditions:
Left ventricular noncompaction 8 (LVNC8). Identifiers: Orphanet 154, Orphanet 54260, MedGen C3809288, MONDO:0014152, OMIM 615373.

Allele frequency attached by ClinVar (database versions not stated): gnomAD 0.00003 and 0.00004; gnomAD exomes 0.00004; TOPMed 0.00005.
gnomAD v4.1: 48 of 1,526,146 alleles (0.0031%); highest among the groups gnomAD compares: African/African-American, 0.0056%; no homozygotes.

Submissions (3):

Labcorp Genetics (formerly Invitae), Labcorp
Classification: Uncertain significance for Left ventricular noncompaction 8. Last evaluated: 2025-04-30. Review status: criteria provided, single submitter. Criteria: Invitae Variant Classification Sherloc (09022015). Collection method: clinical testing. Allele origin: germline.
Comment: This sequence change replaces arginine, which is basic and polar, with cysteine, which is neutral and slightly polar, at codon 823 of the PRDM16 protein (p.Arg823Cys). This variant is present in population databases (no rsID available, gnomAD 0.007%). This variant has not been reported in the literature in individuals affected with PRDM16-related conditions. ClinVar contains an entry for this variant (Variation ID: 406245). An algorithm developed to predict the effect of missense changes on protein structure and function (PolyPhen-2) suggests that this variant is likely to be disruptive. In summary, the available evidence is currently insufficient to determine the role of this variant in disease. Therefore, it has been classified as a Variant of Uncertain Significance.

Women's Health and Genetics/Laboratory Corporation of America, LabCorp
Classification: Uncertain significance. Last evaluated: 2024-11-29. Review status: criteria provided, single submitter. Criteria: LabCorp Variant Classification Summary - May 2015. Collection method: clinical testing. Allele origin: germline.

Fulgent Genetics
Classification: Uncertain significance for Left ventricular noncompaction 8. Last evaluated: 2022-01-08. Review status: criteria provided, single submitter. Criteria: ACMG Guidelines, 2015. Collection method: clinical testing. Allele origin: unknown.

NM_022114.4(PRDM16):c.2467C>T (p.Arg823Cys)

Gene: PRDM16 (PR/SET domain 16; plus strand). Cytogenetic location: 1p36.32.
Variant type: single nucleotide variant.
Coding change: c.2467C>T on transcript NM_022114.4 (MANE Select); coding-DNA position 2467, C replaced by T.
Protein change: p.Arg823Cys; replaces arginine 823 with cysteine.
Molecular consequence: missense variant.
Genome position (GRCh38, 1-based): chr1:3,412,664, C>T. VCF-style: chr1-3412664-C-T. GRCh37 (hg19) VCF-style: chr1-3329228-C-T.
Other names: c.2467C>T, p.Arg823Cys (NM_199454.3); short protein forms R823C.
Identifiers: ClinVar variation 406245 (VCV000406245.13), dbSNP rs932569189, ClinGen allele CA16610097.